The following is an entry in ClinVar:

ClinVar aggregate classification (germline): Uncertain significance (1 of 4 stars; one submission).

Conditions:
Symmetrical dyschromatosis of extremities (DSH). Also called: RETICULATE ACROPIGMENTATION OF DOHI; SYMMETRIC DYSCHROMATOSIS OF THE EXTREMITIES; Dyschromatosis symmetrica hereditaria; DYSCHROMATOSIS SYMMETRICA HEREDITARIA 1. Identifiers: Orphanet 41, MedGen C0406775, MONDO:0007483, OMIM 127400.
Aicardi-Goutieres syndrome 6 (AGS6). Identifiers: Orphanet 51, MedGen C3539013, MONDO:0014007, OMIM 615010.

Allele frequency attached by ClinVar (database versions not stated): gnomAD exomes below 0.00001.

Submission:

Labcorp Genetics (formerly Invitae), Labcorp
Classification: Uncertain significance for Aicardi-Goutieres syndrome 6; Symmetrical dyschromatosis of extremities. Last evaluated: 2022-11-23. Review status: criteria provided, single submitter. Criteria: Invitae Variant Classification Sherloc (09022015). Collection method: clinical testing. Allele origin: germline.
Comment: This sequence change replaces threonine, which is neutral and polar, with isoleucine, which is neutral and non-polar, at codon 497 of the ADAR protein (p.Thr497Ile). In summary, the available evidence is currently insufficient to determine the role of this variant in disease. Therefore, it has been classified as a Variant of Uncertain Significance. Advanced modeling of protein sequence and biophysical properties (such as structural, functional, and spatial information, amino acid conservation, physicochemical variation, residue mobility, and thermodynamic stability) performed at Invitae indicates that this missense variant is not expected to disrupt ADAR protein function. This variant has not been reported in the literature in individuals affected with ADAR-related conditions. This variant is not present in population databases (gnomAD no frequency).

NM_001111.5(ADAR):c.1490C>T (p.Thr497Ile)

Gene: ADAR (adenosine deaminase RNA specific; minus strand). Cytogenetic location: 1q21.3.
Variant type: single nucleotide variant.
Coding change: c.1490C>T on transcript NM_001111.5 (MANE Select); coding-DNA position 1490, C replaced by T.
Protein change: p.Thr497Ile; replaces threonine 497 with isoleucine.
Molecular consequence: missense variant.
Genome position (GRCh38, 1-based): chr1:154,601,152, G>A on the plus strand (C>T on the coding strand, the complement: ADAR is on the minus strand). VCF-style: chr1-154601152-G-A. GRCh37 (hg19) VCF-style: chr1-154573628-G-A.
Other names: c.605C>T, p.Thr202Ile (NM_001025107.3, NM_001193495.2, NM_001365046.1 and 3 more transcripts); c.1517C>T, p.Thr506Ile (NM_001365045.1); c.1490C>T, p.Thr497Ile (NM_015840.4, NM_015841.4); short protein forms T497I, T506I, T202I.
Identifiers: ClinVar variation 2941565 (VCV002941565.3), dbSNP rs2526646307, ClinGen allele CA342596163.
Genomic context (GRCh38, chr1:154,601,152, plus strand): 5'-TGACTAGCGAACTGGGCATATTCTAACAGCCCGCTGATGGGGTTCTTCAGCTGGCACTCT[G>A]TCAGTTTCTTGTAGGGTGAACACCGTGGCAAGCCATGACTGTAGAAGGAGGGCATCTCCA-3'
Protein context (NP_001102.3, residues 487-507): LPRCSPYKKL[Thr497Ile]ECQLKNPISG